The following is an entry in ClinVar:

NM_001270508.2(TNFAIP3):c.2341G>A (p.Glu781Lys)

Gene: TNFAIP3 (TNF alpha induced protein 3; plus strand). Cytogenetic location: 6q23.3.
Variant type: single nucleotide variant.
Coding change: c.2341G>A on transcript NM_001270508.2 (MANE Select); coding-DNA position 2341, G replaced by A.
Protein change: p.Glu781Lys; replaces glutamic acid 781 with lysine.
Molecular consequence: missense variant.
Genome position (GRCh38, 1-based): chr6:137,881,287, G>A. VCF-style: chr6-137881287-G-A. GRCh37 (hg19) VCF-style: chr6-138202424-G-A.
Other names: c.2341G>A, p.Glu781Lys (NM_001270507.2, NM_006290.4); short protein forms E781K.
Identifiers: ClinVar variation 4685452 (VCV004685452.1).

ClinVar aggregate classification (germline): Uncertain significance (1 of 4 stars; one submission).

Conditions:
Autoinflammatory syndrome, familial, Behcet-like 1 (AIFBL1). Also called: Haploinsufficiency of A20. Identifiers: Orphanet 674762, MedGen C4225218, MONDO:0800045, OMIM 616744.

gnomAD v4.1: 2 of 1,565,706 alleles (0.00013%); highest among the groups gnomAD compares: South Asian, 0.0024%; no homozygotes.

Submission:

Greenwood Genetic Center Diagnostic Laboratories, Greenwood Genetic Center
Classification: Uncertain significance for Autoinflammatory syndrome, familial, Behcet-like 1. Last evaluated: 2025-10-23. Review status: criteria provided, single submitter. Criteria: ACMG Guidelines, 2015. Collection method: clinical testing. Allele origin: germline. Affected: yes.
Comment: PP3